The following is an entry in ClinVar:

NM_000548.5(TSC2):c.3517_3554dup (p.Tyr1186fs)

Gene: TSC2 (TSC complex subunit 2; plus strand). Cytogenetic location: 16p13.3.
Variant type: Duplication.
Coding change: c.3517_3554dup on transcript NM_000548.5 (MANE Select); coding-DNA positions 3517 to 3554, 38 bases duplicated.
Protein change: p.Tyr1186fs; shifts the reading frame from tyrosine 1186.
Molecular consequence: frameshift variant. On other transcripts: non-coding transcript variant (5).
Genome position (GRCh38, 1-based): chr16:2,080,284-2,080,321, 38 bases duplicated; duplicating any 38 consecutive bases within chr16:2,080,281-2,080,321 gives the same sequence; the c. name uses the placement nearest the transcript's 3' end. GRCh37 (hg19): chr16:2,130,285-2,130,322.
Other names: c.3385_3422dup, p.Tyr1142fs (NM_001077183.3, NM_001370404.1, NM_001406665.1); c.3517_3554dup, p.Tyr1186fs (NM_001114382.3); c.3277_3314dup, p.Tyr1106fs (NM_001318827.2); c.3241_3278dup, p.Tyr1094fs (NM_001318829.2); c.2785_2822dup, p.Tyr942fs (NM_001318831.2, NM_001406687.1, NM_001406688.1); c.3418_3455dup, p.Tyr1153fs (NM_001318832.2); c.3388_3425dup, p.Tyr1143fs (NM_001363528.2, NM_001370405.1, NM_021055.3); c.3514_3551dup, p.Tyr1185fs (NM_001406663.1, NM_001406664.1); and 18 more; short protein forms Y1093fs, Y1094fs, Y1105fs, Y1106fs, Y1123fs, Y1136fs, Y1137fs, Y1138fs.
Identifiers: ClinVar variation 4855383 (VCV004855383.1).

ClinVar aggregate classification (germline): Likely pathogenic (1 of 4 stars; one submission).

Conditions:
Tuberous sclerosis 2 (TSC2). Identifiers: Orphanet 805, MedGen C1860707, MONDO:0013199, OMIM 613254.

Submission:

3billion
Classification: Likely pathogenic for Tuberous sclerosis 2. Last evaluated: 2025-11-20. Review status: criteria provided, single submitter. Criteria: ACMG Guidelines, 2015. Collection method: clinical testing. Allele origin: germline. Affected: yes.
Comment: The variant is not observed in the gnomAD v4.1.0 dataset. Predicted Consequence/Location: Frameshift: predicted to result in a loss or disruption of normal protein function through nonsense-mediated decay (NMD) or protein truncation. Multiple pathogenic variants are reported downstream of the variant. Therefore, this variant is classified as Likely pathogenic according to the recommendation of ACMG/AMP guideline.